The following is an entry in ClinVar:

ClinVar aggregate classification (germline): Uncertain significance. Review status: criteria provided, multiple submitters, no conflicts (2 of 4 stars). 2 submissions from 2 submitters: Uncertain significance (2). Last evaluated 2023-03-13.

Conditions:
Inborn genetic diseases. Identifiers: MedGen C0950123, MeSH D030342.

Allele frequency attached by ClinVar (database versions not stated): TOPMed below 0.00001; ExAC 0.00001.
gnomAD v4.1: 9 of 1,611,960 alleles (0.00056%); highest among the groups gnomAD compares: East Asian, 0.0045%; no homozygotes.

Submissions (2):

Ambry Genetics
Classification: Uncertain significance for Inborn genetic diseases. Last evaluated: 2023-03-13. Review status: criteria provided, single submitter. Criteria: Ambry Variant Classification Scheme 2023. Collection method: clinical testing. Allele origin: germline.

Labcorp Genetics (formerly Invitae), Labcorp
Classification: Uncertain significance. Last evaluated: 2022-06-03. Review status: criteria provided, single submitter. Criteria: Invitae Variant Classification Sherloc (09022015). Collection method: clinical testing. Allele origin: germline.
Comment: This variant is not present in population databases (gnomAD no frequency). In summary, the available evidence is currently insufficient to determine the role of this variant in disease. Therefore, it has been classified as a Variant of Uncertain Significance. Algorithms developed to predict the effect of missense changes on protein structure and function output the following: SIFT: "Tolerated"; PolyPhen-2: "Benign"; Align-GVGD: "Class C0". The leucine amino acid residue is found in multiple mammalian species, which suggests that this missense change does not adversely affect protein function. ClinVar contains an entry for this variant (Variation ID: 1350251). This variant has not been reported in the literature in individuals affected with TONSL-related conditions. This sequence change replaces serine, which is neutral and polar, with leucine, which is neutral and non-polar, at codon 865 of the TONSL protein (p.Ser865Leu).

NM_013432.5(TONSL):c.2594C>T (p.Ser865Leu)

Genes: TONSL (tonsoku like, DNA repair protein; minus strand), TONSL-AS1 (TONSL antisense RNA 1; plus strand). Cytogenetic location: 8q24.3.
Variant type: single nucleotide variant.
Coding change: c.2594C>T on transcript NM_013432.5 (MANE Select); coding-DNA position 2594, C replaced by T.
Protein change: p.Ser865Leu; replaces serine 865 with leucine.
Molecular consequence: missense variant.
Genome position (GRCh38, 1-based): chr8:144,435,839, G>A on the plus strand (C>T on the coding strand, the complement: TONSL is on the minus strand). VCF-style: chr8-144435839-G-A. GRCh37 (hg19) VCF-style: chr8-145661222-G-A.
Other names: c.2594C>T (NM_013432.4); short protein forms S865L.
Identifiers: ClinVar variation 1350251 (VCV001350251.5), dbSNP rs772396486, ClinGen allele CA4942776.